The following is an entry in ClinVar:

ClinVar aggregate classification (germline): Conflicting classifications of pathogenicity. Review status: criteria provided, conflicting classifications (1 of 4 stars). 8 submissions from 8 submitters: Likely pathogenic (1); Uncertain significance (7). Last evaluated 2026-10-23.

Conditions:
Hypertrophic cardiomyopathy. Also called: HYPERTROPHIC MYOCARDIOPATHY. Identifiers: Orphanet 217569, MedGen C0007194, MeSH D002312, MONDO:0005045, HP:0001639.
Cardiovascular phenotype. Identifiers: MedGen CN230736.
MYBPC3-related disorder. Also called: MYBPC3-related disorders; MYBPC3-related condition; MYBPC3-related disease.
Cardiomyopathy (CMYO). Also called: Cardiomyopathies. Identifiers: Orphanet 167848, MedGen C0878544, MONDO:0004994, HP:0001638. Inheritance: Various modes of inheritance.

Submissions (8):

GeneDx
Classification: Uncertain significance. Last evaluated: 2026-10-23. Review status: criteria provided, single submitter. Criteria: GeneDx Variant Classification Process June 2021. Collection method: clinical testing. Allele origin: germline.
Comment: Has not been previously published as pathogenic or benign to our knowledge; Not observed at significant frequency in large population cohorts (gnomAD); In-silico analysis is inconclusive as to whether the variant alters gene splicing. In the absence of RNA/functional studies, the actual effect of this sequence change is unknown.

Molecular Diagnostic Laboratory for Inherited Cardiovascular Disease, Montreal Heart Institute
Classification: Uncertain significance for Cardiovascular phenotype. Last evaluated: 2026-09-21. Review status: criteria provided, single submitter. Criteria: ACMG Guidelines, 2015. Collection method: clinical testing. Allele origin: germline. Affected: yes.
Comment: PVS1_mod, PM2

PreventionGenetics, part of Exact Sciences
Classification: Uncertain significance for MYBPC3-related condition. Last evaluated: 2026-03-24. Review status: criteria provided, single submitter. Criteria: ACMG Guidelines, 2015. Collection method: clinical testing. Allele origin: germline.
Comment: The MYBPC3 c.3815-11_3815-9delCTC variant is predicted to result in an intronic deletion. This variant is predicted to impact splicing based on splicing prediction programs (SpliceAI, Jaganathan et al. 2019. PubMed ID: 30661751). However, the use of computer prediction programs is not equivalent to functional evidence. To our knowledge, this variant has not been reported in the literature or in a large population database (gnomAD), indicating this variant is rare. At this time, the clinical significance of this variant is uncertain due to the absence of conclusive functional and genetic evidence.

Labcorp Genetics (formerly Invitae), Labcorp
Classification: Uncertain significance for Hypertrophic cardiomyopathy. Last evaluated: 2025-07-06. Review status: criteria provided, single submitter. Criteria: Invitae Variant Classification Sherloc (09022015). Collection method: clinical testing. Allele origin: germline.
Comment: This sequence change falls in intron 33 of the MYBPC3 gene. It does not directly change the encoded amino acid sequence of the MYBPC3 protein. This variant is present in population databases (no rsID available, gnomAD no frequency). This variant has not been reported in the literature in individuals affected with MYBPC3-related conditions. ClinVar contains an entry for this variant (Variation ID: 578052). Algorithms developed to predict the effect of sequence changes on RNA splicing suggest that this variant may disrupt the consensus splice site. In summary, the available evidence is currently insufficient to determine the role of this variant in disease. Therefore, it has been classified as a Variant of Uncertain Significance.

Blueprint Genetics
Classification: Likely pathogenic for MYBPC3-related disorders. Last evaluated: 2022-07-20. Review status: criteria provided, single submitter. Criteria: ACMG Guidelines, 2015. Collection method: clinical testing. Allele origin: germline. Affected: yes. Observed: 3 variant alleles.

CHEO Genetics Diagnostic Laboratory, Children's Hospital of Eastern Ontario
Classification: Uncertain significance for Cardiomyopathy. Last evaluated: 2020-12-07. Review status: criteria provided, single submitter. Criteria: ACMG Guidelines, 2015. Collection method: clinical testing. Allele origin: germline.

CeGaT Center for Human Genetics Tuebingen
Classification: Uncertain significance. Last evaluated: 2020-02-01. Review status: criteria provided, single submitter. Criteria: CeGaT Center For Human Genetics Tuebingen Variant Classification Criteria Version 2. Collection method: clinical testing. Allele origin: germline. Affected: yes. Observed: 1 variant allele.

Color Diagnostics, LLC DBA Color Health
Classification: Uncertain significance for Cardiomyopathy. Last evaluated: 2019-11-24. Review status: criteria provided, single submitter. Criteria: ACMG Guidelines, 2015. Collection method: clinical testing. Allele origin: germline.
Comment: This variant causes a deletion of 3 nucleotides in intron 33 of the MYBPC3 gene. Splice site prediction tools and conservation analysis are inconclusive regarding the impact of this variant on RNA splicing. To our knowledge, functional studies have not been performed for this variant. This variant has not been reported in individuals affected with cardiovascular disorders in the literature. This variant has not been identified in the general population by the Genome Aggregation Database (gnomAD). The available evidence is insufficient to determine the role of this variant in disease conclusively. Therefore, this variant is classified as a Variant of Uncertain Significance.

NM_000256.3(MYBPC3):c.3815-11_3815-9del

Gene: MYBPC3 (myosin binding protein C3; minus strand). Cytogenetic location: 11p11.2.
Variant type: Microsatellite.
Coding change: c.3815-11_3815-9del on transcript NM_000256.3 (MANE Select); 11 bases into the intron before coding-DNA position 3815 through 9 bases into the intron before coding-DNA position 3815, 3 bases deleted (CTC; older notation c.3815-11_3815-9delCTC).
Molecular consequence: intron variant.
Genome position (GRCh38, 1-based): chr11:47,331,890-47,331,892, GAG deleted on the plus strand (CTC on the coding strand, the reverse complement: MYBPC3 is on the minus strand); deleting any 3 consecutive bases within chr11:47,331,890-47,331,896 gives the same sequence; the c. name uses the placement nearest the transcript's 3' end. VCF-style (leftmost placement, unchanged base first): chr11-47331889-AGAG-A. GRCh37 (hg19) VCF-style: chr11-47353440-AGAG-A.
Other names: c.3815-11_3815-9delCTC (NM_000256.3).
Identifiers: ClinVar variation 578052 (VCV000578052.57), dbSNP rs1329380245, ClinGen allele CA599057708.